The following is an entry in ClinVar:

NM_000744.7(CHRNA4):c.389A>G (p.Asp130Gly)

Gene: CHRNA4 (cholinergic receptor nicotinic alpha 4 subunit; minus strand). Cytogenetic location: 20q13.33.
Variant type: single nucleotide variant.
Coding change: c.389A>G on transcript NM_000744.7 (MANE Select); coding-DNA position 389, A replaced by G.
Protein change: p.Asp130Gly; replaces aspartic acid 130 with glycine.
Molecular consequence: missense variant. On other transcripts: 5 prime UTR variant (1), non-coding transcript variant (1).
Genome position (GRCh38, 1-based): chr20:63,351,022, T>C on the plus strand (A>G on the coding strand, the complement: CHRNA4 is on the minus strand). VCF-style: chr20-63351022-T-C. GRCh37 (hg19) VCF-style: chr20-61982374-T-C.
Other names: c.-140A>G (NM_001256573.2); c.389A>G (NM_000744.5); short protein forms D130G.
Identifiers: ClinVar variation 2875367 (VCV002875367.4), dbSNP rs2516543649, ClinGen allele CA409638924.

ClinVar aggregate classification (germline): Uncertain significance. Review status: criteria provided, multiple submitters, no conflicts (2 of 4 stars). 2 submissions from 2 submitters: Uncertain significance (2). Last evaluated 2025-11-26.

Conditions:
Inborn genetic diseases. Identifiers: MedGen C0950123, MeSH D030342.
Familial sleep-related hypermotor epilepsy. Also called: Autosomal Dominant Sleep-Related Hypermotor (Hyperkinetic) Epilepsy. Identifiers: Orphanet 98784, MedGen C3696898, MONDO:0000030.

Submissions (2):

Ambry Genetics
Classification: Uncertain significance for Inborn genetic diseases. Last evaluated: 2025-11-26. Review status: criteria provided, single submitter. Criteria: Ambry Variant Classification Scheme 2023. Collection method: clinical testing. Allele origin: germline.

Labcorp Genetics (formerly Invitae), Labcorp
Classification: Uncertain significance. Last evaluated: 2023-05-25. Review status: criteria provided, single submitter. Criteria: Invitae Variant Classification Sherloc (09022015). Collection method: clinical testing. Allele origin: germline.
Comment: In summary, the available evidence is currently insufficient to determine the role of this variant in disease. Therefore, it has been classified as a Variant of Uncertain Significance. Advanced modeling of protein sequence and biophysical properties (such as structural, functional, and spatial information, amino acid conservation, physicochemical variation, residue mobility, and thermodynamic stability) performed at Invitae indicates that this missense variant is expected to disrupt CHRNA4 protein function. This variant has not been reported in the literature in individuals affected with CHRNA4-related conditions. This variant is not present in population databases (gnomAD no frequency). This sequence change replaces aspartic acid, which is acidic and polar, with glycine, which is neutral and non-polar, at codon 130 of the CHRNA4 protein (p.Asp130Gly).